The following is an entry in ClinVar:

NM_000316.3(PTH1R):c.313+5G>A

Gene: PTH1R (parathyroid hormone 1 receptor; plus strand). Cytogenetic location: 3p21.31.
Variant type: single nucleotide variant.
Coding change: c.313+5G>A on transcript NM_000316.3 (MANE Select); 5 bases into the intron after coding-DNA position 313, G replaced by A.
Molecular consequence: intron variant.
Genome position (GRCh38, 1-based): chr3:46,895,874, G>A. VCF-style: chr3-46895874-G-A. GRCh37 (hg19) VCF-style: chr3-46937364-G-A.
Other names: c.313+5G>A (NM_001184744.1).
Identifiers: ClinVar variation 4709375 (VCV004709375.1).

ClinVar aggregate classification (germline): Uncertain significance (1 of 4 stars; one submission).

gnomAD v4.1: 19 of 1,612,194 alleles (0.0012%); highest among the groups gnomAD compares: East Asian, 0.0022%; no homozygotes.

Submission:

Labcorp Genetics (formerly Invitae), Labcorp
Classification: Uncertain significance. Last evaluated: 2026-01-18. Review status: criteria provided, single submitter. Criteria: Invitae Variant Classification Sherloc (09022015). Collection method: clinical testing. Allele origin: germline.
Comment: This sequence change falls in intron 5 of the PTH1R gene. It does not directly change the encoded amino acid sequence of the PTH1R protein. It affects a nucleotide within the consensus splice site. This variant is present in population databases (rs202097393, gnomAD 0.002%). This variant has not been reported in the literature in individuals affected with PTH1R-related conditions. Variants that disrupt the consensus splice site are a relatively common cause of aberrant splicing (PMID: 17576681, 9536098). Algorithms developed to predict the effect of sequence changes on RNA splicing suggest that this variant may disrupt the consensus splice site. In summary, the available evidence is currently insufficient to determine the role of this variant in disease. Therefore, it has been classified as a Variant of Uncertain Significance.

Literature cited by the submitters: PubMed 17576681; PubMed 9536098.